The following is an entry in ClinVar:

NM_003322.6(TULP1):c.1063G>A (p.Asp355Asn)

Gene: TULP1 (TUB like protein 1; minus strand). Cytogenetic location: 6p21.31.
Variant type: single nucleotide variant.
Coding change: c.1063G>A on transcript NM_003322.6 (MANE Select); coding-DNA position 1063, G replaced by A.
Protein change: p.Asp355Asn; replaces aspartic acid 355 with asparagine.
Molecular consequence: missense variant.
Genome position (GRCh38, 1-based): chr6:35,505,790, C>T on the plus strand (G>A on the coding strand, the complement: TULP1 is on the minus strand). VCF-style: chr6-35505790-C-T. GRCh37 (hg19) VCF-style: chr6-35473567-C-T.
Other names: c.904G>A, p.Asp302Asn (NM_001289395.2); c.1063G>A (NM_003322.5); short protein forms D355N, D302N.
Identifiers: ClinVar variation 426801 (VCV000426801.11), dbSNP rs1085307806, ClinGen allele CA363779723.

ClinVar aggregate classification (germline): Conflicting classifications of pathogenicity. Review status: criteria provided, conflicting classifications (1 of 4 stars). 5 submissions from 5 submitters: Likely pathogenic (2); Uncertain significance (2). 1 of the submissions does not count toward it. Last evaluated 2024-08-22.

Conditions:
TULP1-related disorder. Also called: TULP1-related disorders; TULP1-related condition.
Retinitis pigmentosa (RP). Identifiers: Orphanet 791, MedGen C0035334, MeSH D012174, MONDO:0019200, OMIM 268000. Inheritance: Autosomal dominant, autosomal recessive and X linked inheritance.

Allele frequency attached by ClinVar (database versions not stated): TOPMed 0.00001; gnomAD 0.00002.
gnomAD v4.1: 10 of 1,613,964 alleles (0.00062%); highest among the groups gnomAD compares: Middle Eastern, 0.016%; no homozygotes.

Submissions (5):

Women's Health and Genetics/Laboratory Corporation of America, LabCorp
Classification: Uncertain significance. Last evaluated: 2024-08-22. Review status: criteria provided, single submitter. Criteria: LabCorp Variant Classification Summary - May 2015. Collection method: clinical testing. Allele origin: germline.
Comment: Variant summary: TULP1 c.1063G>A (p.Asp355Asn) results in a conservative amino acid change located in the Tubby, C-terminal domain (IPR000007) of the encoded protein sequence. Four of five in-silico tools predict a damaging effect of the variant on protein function. The variant was absent in 251474 control chromosomes. c.1063G>A has been reported in the literature in compound heterozygous individuals affected with retinitis pigmentosa (e.g. Colombo_2021, Panneman_2023). These data indicate that the variant may be associated with disease. To our knowledge, no experimental evidence demonstrating an impact on protein function has been reported. The following publications have been ascertained in the context of this evaluation (PMID: 33576794, 36819107). ClinVar contains an entry for this variant (Variation ID: 426801). Based on the evidence outlined above, the variant was classified as VUS-possibly pathogenic.

GeneDx
Classification: Likely pathogenic. Last evaluated: 2024-01-17. Review status: criteria provided, single submitter. Criteria: GeneDx Variant Classification Process June 2021. Collection method: clinical testing. Allele origin: germline. Affected: yes.
Comment: In silico analysis supports that this missense variant has a deleterious effect on protein structure/function; Not observed at significant frequency in large population cohorts (gnomAD); This variant is associated with the following publications: (PMID: 33576794, 36819107)

Labcorp Genetics (formerly Invitae), Labcorp
Classification: Uncertain significance. Last evaluated: 2022-03-23. Review status: criteria provided, single submitter. Criteria: Invitae Variant Classification Sherloc (09022015). Collection method: clinical testing. Allele origin: germline.
Comment: This sequence change replaces aspartic acid, which is acidic and polar, with asparagine, which is neutral and polar, at codon 355 of the TULP1 protein (p.Asp355Asn). This variant is not present in population databases (gnomAD no frequency). This missense change has been observed in individual(s) with retinitis pigmentosa (PMID: 33576794). ClinVar contains an entry for this variant (Variation ID: 426801). Algorithms developed to predict the effect of missense changes on protein structure and function are either unavailable or do not agree on the potential impact of this missense change (SIFT: "Not Available"; PolyPhen-2: "Probably Damaging"; Align-GVGD: "Not Available"). This variant disrupts the p.Asp355 amino acid residue in TULP1. Other variant(s) that disrupt this residue have been observed in individuals with TULP1-related conditions (PMID: 23847139), which suggests that this may be a clinically significant amino acid residue. In summary, the available evidence is currently insufficient to determine the role of this variant in disease. Therefore, it has been classified as a Variant of Uncertain Significance.

INSERM U1051, Institut des Neurosciences de Montpellier
Classification: Likely pathogenic for Retinitis pigmentosa. Last evaluated: 2020-06-24. Review status: criteria provided, single submitter. Criteria: ACMG Guidelines, 2015. Collection method: research. Allele origin: inherited. Affected: yes.

PreventionGenetics, part of Exact Sciences
Classification: Likely pathogenic for TULP1-related condition. Last evaluated: 2024-08-25. Review status: no assertion criteria provided. Collection method: clinical testing. Allele origin: germline. Not counted in ClinVar's aggregate classification.
Comment: The TULP1 c.1063G>A variant is predicted to result in the amino acid substitution p.Asp355Asn. This variant has been reported in the compound heterozygous state in individuals with retinal disease (Table S4, Colombo et al. 2021. PubMed ID: 33576794; Table S4, Panneman et al. 2023. PubMed ID: 36819107). This variant has not been reported in the large population database gnomAD, indicating this variant is rare. Given the evidence, we interpret this variant as likely pathogenic.

Literature cited by the submitters: PubMed 33576794 (cited by Women's Health and Genetics/Laboratory Corporation of America, LabCorp and Labcorp Genetics (formerly Invitae), Labcorp); PubMed 36819107 (cited by Women's Health and Genetics/Laboratory Corporation of America, LabCorp); PubMed 23847139 (cited by Labcorp Genetics (formerly Invitae), Labcorp).